The following is an entry in ClinVar:

NM_007055.4(POLR3A):c.1595C>T (p.Pro532Leu)

Gene: POLR3A (RNA polymerase III subunit A; minus strand). Cytogenetic location: 10q22.3.
Variant type: single nucleotide variant.
Coding change: c.1595C>T on transcript NM_007055.4 (MANE Select); coding-DNA position 1595, C replaced by T.
Protein change: p.Pro532Leu; replaces proline 532 with leucine.
Molecular consequence: missense variant.
Genome position (GRCh38, 1-based): chr10:78,010,518, G>A on the plus strand (C>T on the coding strand, the complement: POLR3A is on the minus strand). VCF-style: chr10-78010518-G-A. GRCh37 (hg19) VCF-style: chr10-79770276-G-A.
Other names: short protein forms P532L.
Identifiers: ClinVar variation 2095458 (VCV002095458.4), dbSNP rs746364633, ClinGen allele CA5571391.

ClinVar aggregate classification (germline): Uncertain significance. Review status: criteria provided, multiple submitters, no conflicts (2 of 4 stars). 2 submissions from 2 submitters: Uncertain significance (2). Last evaluated 2025-04-21.

Conditions:
Leukodystrophy, hypomyelinating, 7, with or without oligodontia and/or hypogonadotropic hypogonadism (HLD7). Also called: LEUKODYSTROPHY, HYPOMYELINATING, 7, WITH OLIGODONTIA; LEUKODYSTROPHY, HYPOMYELINATING, 7, WITH OLIGODONTIA AND HYPOGONADOTROPIC HYPOGONADISM; LEUKODYSTROPHY, HYPOMYELINATING, 7, WITHOUT OLIGODONTIA OR HYPOGONADOTROPIC HYPOGONADISM; LEUKOENCEPHALOPATHY, HYPOMYELINATING, WITH ATAXIA AND DELAYED DENTITION; ATAXIA, DELAYED DENTITION, AND HYPOMYELINATION; Ataxia, Delayed Dentition and Hypomyelination (ADDH). Identifiers: Orphanet 137639, Orphanet 447893, Orphanet 447896, Orphanet 77295, Orphanet 88637, MedGen CN034185, MONDO:0011897, OMIM 607694.

Allele frequency attached by ClinVar (database versions not stated): ExAC 0.00001; gnomAD 0.00001; TOPMed 0.00002.
gnomAD v4.1: 21 of 1,613,850 alleles (0.0013%); highest among the groups gnomAD compares: South Asian, 0.0033%; no homozygotes.

Submissions (2):

3billion
Classification: Uncertain significance for Leukodystrophy, hypomyelinating, 7, with or without oligodontia and/or hypogonadotropic hypogonadism. Last evaluated: 2025-04-21. Review status: criteria provided, single submitter. Criteria: ACMG Guidelines, 2015. Collection method: clinical testing. Allele origin: germline. Affected: yes.

Labcorp Genetics (formerly Invitae), Labcorp
Classification: Uncertain significance. Last evaluated: 2022-10-17. Review status: criteria provided, single submitter. Criteria: Invitae Variant Classification Sherloc (09022015). Collection method: clinical testing. Allele origin: germline.
Comment: In summary, the available evidence is currently insufficient to determine the role of this variant in disease. Therefore, it has been classified as a Variant of Uncertain Significance. Advanced modeling of protein sequence and biophysical properties (such as structural, functional, and spatial information, amino acid conservation, physicochemical variation, residue mobility, and thermodynamic stability) performed at Invitae indicates that this missense variant is expected to disrupt POLR3A protein function. This sequence change replaces proline, which is neutral and non-polar, with leucine, which is neutral and non-polar, at codon 532 of the POLR3A protein (p.Pro532Leu). This variant is present in population databases (rs746364633, gnomAD 0.003%). This variant has not been reported in the literature in individuals affected with POLR3A-related conditions.